The following is an entry in ClinVar:

ClinVar aggregate classification (germline): Pathogenic/Likely pathogenic. Review status: criteria provided, multiple submitters, no conflicts (2 of 4 stars). 4 submissions from 4 submitters: Pathogenic (2); Likely pathogenic (2). Last evaluated 2026-01-07.

Conditions:
Pyruvate dehydrogenase E2 deficiency (PDHDD). Also called: Dihydrolipoamide Acetyltransferase (E2) Deficiency; LACTIC ACIDEMIA DUE TO DEFECT OF E2 LIPOYL TRANSACETYLASE OF THE PYRUVATE DEHYDROGENASE COMPLEX. Identifiers: Orphanet 765, Orphanet 79244, MedGen C1855565, MONDO:0009502, OMIM 245348.

Allele frequency attached by ClinVar (database versions not stated): gnomAD exomes 0.00001 and 0.00002; TOPMed 0.00002; ExAC 0.00003; gnomAD 0.00003; ESP Exome Variant Server 0.00008.
gnomAD v4.1: 14 of 1,613,426 alleles (0.00087%); highest among the groups gnomAD compares: Non-Finnish European, 0.0012%; no homozygotes.

Submissions (4):

GeneDx
Classification: Likely pathogenic. Last evaluated: 2026-01-07. Review status: criteria provided, single submitter. Criteria: GeneDx Variant Classification Process June 2021. Collection method: clinical testing. Allele origin: germline. Affected: yes.
Comment: Canonical splice site variant predicted to result in a null allele in a gene for which loss of function is a known mechanism of disease; Not observed at significant frequency in large population cohorts (gnomAD); Has not been previously published as pathogenic or benign to our knowledge; This variant is associated with the following publications: (PMID: 31589614)

Labcorp Genetics (formerly Invitae), Labcorp
Classification: Likely pathogenic for Pyruvate dehydrogenase E2 deficiency. Last evaluated: 2025-12-20. Review status: criteria provided, single submitter. Criteria: Invitae Variant Classification Sherloc (09022015). Collection method: clinical testing. Allele origin: germline.
Comment: This sequence change affects an acceptor splice site in intron 6 of the DLAT gene. It is expected to disrupt RNA splicing. Variants that disrupt the donor or acceptor splice site typically lead to a loss of protein function (PMID: 16199547), and loss-of-function variants in DLAT are known to be pathogenic (PMID: 20022530, 23021068). This variant is present in population databases (rs367875541, gnomAD 0.005%). This variant has not been reported in the literature in individuals affected with DLAT-related conditions. ClinVar contains an entry for this variant (Variation ID: 432212). Algorithms developed to predict the effect of sequence changes on RNA splicing suggest that this variant may disrupt the consensus splice site. In summary, the currently available evidence indicates that the variant is pathogenic, but additional data are needed to prove that conclusively. Therefore, this variant has been classified as Likely Pathogenic.

Centre for Mendelian Genomics, University Medical Centre Ljubljana
Classification: Pathogenic for Pyruvate dehydrogenase E2 deficiency. Last evaluated: 2019-04-09. Review status: criteria provided, single submitter. Criteria: ACMG Guidelines, 2015. Collection method: clinical testing. Allele origin: unknown. Affected: yes.
Comment: This variant was classified as: Pathogenic. The following ACMG criteria were applied in classifying this variant: PVS1,PM2,PP5.

Centre de Biologie Pathologie Génétique, Centre Hospitalier Universitaire de Lille
Classification: Pathogenic for Pyruvate dehydrogenase E2 deficiency. Review status: criteria provided, single submitter. Criteria: ACMG Guidelines, 2015. Collection method: clinical testing. Allele origin: inherited. Affected: yes.

Literature cited by the submitters: PubMed 16199547 (cited by Labcorp Genetics (formerly Invitae), Labcorp); PubMed 20022530 (cited by Labcorp Genetics (formerly Invitae), Labcorp); PubMed 23021068 (cited by Labcorp Genetics (formerly Invitae), Labcorp).

NM_001931.5(DLAT):c.976-1G>A

Gene: DLAT (dihydrolipoamide S-acetyltransferase; plus strand). Cytogenetic location: 11q23.1.
Variant type: single nucleotide variant.
Coding change: c.976-1G>A on transcript NM_001931.5 (MANE Select); the canonical splice acceptor site of the intron before coding-DNA position 976, G replaced by A.
Molecular consequence: splice acceptor variant.
Genome position (GRCh38, 1-based): chr11:112,039,243, G>A. VCF-style: chr11-112039243-G-A. GRCh37 (hg19) VCF-style: chr11-111909967-G-A.
Other names: c.514-1G>A (NM_001372042.1); c.976-1G>A (NM_001372031.1, NM_001372033.1, NM_001372035.1 and 1 more transcripts); c.661-1G>A (NM_001372039.1, NM_001372041.1); c.697-1G>A (NM_001372038.1); c.595-1G>A (NM_001372040.1); c.943-1G>A (NM_001372034.1); c.850-1G>A (NM_001372036.1); c.808-1G>A (NM_001372037.1).
Identifiers: ClinVar variation 432212 (VCV000432212.14), dbSNP rs367875541, ClinGen allele CA6276797.